The following is an entry in ClinVar:

ClinVar aggregate classification (germline): Uncertain significance (1 of 4 stars; one submission).

Conditions:
Holoprosencephaly sequence (HPE). Also called: Holoprosencephaly. Identifiers: Orphanet 2162, MedGen C0079541, MONDO:0016296, HP:0001360.

Submission:

Labcorp Genetics (formerly Invitae), Labcorp
Classification: Uncertain significance for Holoprosencephaly sequence. Last evaluated: 2018-01-26. Review status: criteria provided, single submitter. Criteria: Invitae Variant Classification Sherloc (09022015). Collection method: clinical testing. Allele origin: germline.
Comment: This sequence change replaces leucine with tryptophan at codon 293 of the FOXH1 protein (p.Leu293Trp). The leucine residue is moderately conserved and there is a small physicochemical difference between leucine and tryptophan. This variant is not present in population databases (ExAC no frequency). This variant has not been reported in the literature in individuals with FOXH1-related disease. Algorithms developed to predict the effect of missense changes on protein structure and function do not agree on the potential impact of this missense change (SIFT: Deleterious; PolyPhen-2: Possibly Damaging; Align-GVGD: Class C0). In summary, the available evidence is currently insufficient to determine the role of this variant in disease. Therefore, it has been classified as a Variant of Uncertain Significance.

NM_003923.3(FOXH1):c.878T>G (p.Leu293Trp)

Gene: FOXH1 (forkhead box H1; minus strand). Cytogenetic location: 8q24.3.
Variant type: single nucleotide variant.
Coding change: c.878T>G on transcript NM_003923.3 (MANE Select); coding-DNA position 878, T replaced by G.
Protein change: p.Leu293Trp; replaces leucine 293 with tryptophan.
Molecular consequence: missense variant.
Genome position (GRCh38, 1-based): chr8:144,474,458, A>C on the plus strand (T>G on the coding strand, the complement: FOXH1 is on the minus strand). VCF-style: chr8-144474458-A-C. GRCh37 (hg19) VCF-style: chr8-145699841-A-C.
Other names: short protein forms L293W.
Identifiers: ClinVar variation 1059053 (VCV001059053.1), dbSNP rs2130035536, ClinGen allele CA372723376.